The following is an entry in ClinVar:

NM_001368894.2(PAX6):c.578_579insC (p.Gln193fs)

Gene: PAX6 (paired box 6; minus strand). Cytogenetic location: 11p13.
Variant type: Insertion.
Coding change: c.578_579insC on transcript NM_001368894.2 (MANE Select); coding-DNA positions 578 to 579, C inserted.
Protein change: p.Gln193fs; shifts the reading frame from glutamine 193.
Molecular consequence: frameshift variant. On other transcripts: 5 prime UTR variant (1), non-coding transcript variant (2).
Genome position: GRCh38 VCF-style: chr11-31794775-T-TG. GRCh37 (hg19) VCF-style: chr11-31816323-T-TG.
Other names: c.536_537insC, p.Gln179fs (NM_000280.6, NM_001127612.3, NM_001258464.2 and 10 more transcripts); c.578_579insC, p.Gln193fs (NM_001258462.3, NM_001258463.2, NM_001310158.2 and 6 more transcripts); c.128_129insC, p.Gln43fs (NM_001310160.2, NM_001310161.3, NM_001368899.2 and 11 more transcripts); c.779_780insC, p.Gln260fs (NM_001368910.2); c.581_582insC, p.Gln194fs (NM_001368911.2); c.653_654insC, p.Gln218fs (NM_001368918.2, NM_001368919.2); c.611_612insC, p.Gln204fs (NM_001368920.2); c.377_378insC, p.Gln126fs (NM_001368921.2, NM_001368922.2, NM_001368923.2 and 4 more transcripts); and 2 more; short protein forms Q126fs, Q193fs, Q204fs, Q260fs, Q43fs, Q112fs, Q179fs, Q194fs.
Identifiers: ClinVar variation 529891 (VCV000529891.6), dbSNP rs1554983577, ClinGen allele CA658797610.

ClinVar aggregate classification (germline): Pathogenic (1 of 4 stars; one submission).

Conditions:
Aniridia 1 (AN1). Identifiers: Orphanet 250923, MedGen C0344542, MONDO:0024507, OMIM 106210.
Irido-corneo-trabecular dysgenesis (ASGD5). Also called: ANTERIOR SEGMENT DYSGENESIS 5. Identifiers: Orphanet 708, MedGen C0344559, MONDO:0011414, OMIM 604229, HP:0000659.

Submission:

Labcorp Genetics (formerly Invitae), Labcorp
Classification: Pathogenic for Aniridia 1; Irido-corneo-trabecular dysgenesis. Last evaluated: 2017-10-16. Review status: criteria provided, single submitter. Criteria: Invitae Variant Classification Sherloc (09022015). Collection method: clinical testing. Allele origin: germline.
Comment: For these reasons, this variant has been classified as Pathogenic. This sequence change creates a premature translational stop signal (p.Gln179Hisfs*21) in the PAX6 gene. It is expected to result in an absent or disrupted protein product. This variant is not present in population databases (ExAC no frequency). This variant has not been reported in the literature in individuals with PAX6-related disease. Loss-of-function variants in PAX6 are known to be pathogenic (PMID: 12634864).

Literature cited by the submitters: PubMed 12634864.